The following is an entry in ClinVar:

NM_004006.3(DMD):c.923C>T (p.Thr308Ile)

Gene: DMD (dystrophin; minus strand). Cytogenetic location: Xp21.1.
Variant type: single nucleotide variant.
Coding change: c.923C>T on transcript NM_004006.3 (MANE Select); coding-DNA position 923, C replaced by T.
Protein change: p.Thr308Ile; replaces threonine 308 with isoleucine.
Molecular consequence: missense variant.
Genome position (GRCh38, 1-based): chrX:32,697,907, G>A on the plus strand (C>T on the coding strand, the complement: DMD is on the minus strand). VCF-style: chrX-32697907-G-A. GRCh37 (hg19) VCF-style: chrX-32716024-G-A.
Other names: c.899C>T, p.Thr300Ile (NM_000109.4); c.911C>T, p.Thr304Ile (NM_004009.3); c.554C>T, p.Thr185Ile (NM_004010.3); short protein forms T308I, T185I, T300I, T304I.
Identifiers: ClinVar variation 289521 (VCV000289521.26), dbSNP rs145064612, ClinGen allele CA10380027.

ClinVar aggregate classification (germline): Benign/Likely benign. Review status: criteria provided, multiple submitters, no conflicts (2 of 4 stars). 12 submissions from 12 submitters: Benign (4); Likely benign (2). 6 of the submissions do not count toward it. Last evaluated 2026-05-25.

Conditions:
Duchenne muscular dystrophy (DMD). Also called: MUSCULAR DYSTROPHY, PSEUDOHYPERTROPHIC PROGRESSIVE, DUCHENNE TYPE; Duchenne Muscular Dystrophy (DMD). Identifiers: Orphanet 98896, MedGen C0013264, MONDO:0010679, OMIM 310200.
DMD-related disorder. Also called: DMD-related condition.
Cardiomyopathy (CMYO). Also called: Cardiomyopathies. Identifiers: Orphanet 167848, MedGen C0878544, MONDO:0004994, HP:0001638. Inheritance: Various modes of inheritance.
Dystrophin deficiency.
Becker muscular dystrophy (BMD). Also called: Becker Muscular Dystrophy (BMD); MUSCULAR DYSTROPHY, PSEUDOHYPERTROPHIC PROGRESSIVE, BECKER TYPE. Identifiers: Orphanet 98895, MedGen C0917713, MONDO:0010311, OMIM 300376.
Cardiovascular phenotype. Identifiers: MedGen CN230736.

Allele frequency attached by ClinVar (database versions not stated): TOPMed 0.00001.
gnomAD v4.1: 334 of 1,207,837 alleles (0.028%); highest among the groups gnomAD compares: South Asian, 0.56%; 2 homozygotes.

Submissions (12):

Women's Health and Genetics/Laboratory Corporation of America, LabCorp
Classification: Likely benign. Last evaluated: 2026-05-25. Review status: criteria provided, single submitter. Criteria: LabCorp Variant Classification Summary - May 2015. Collection method: clinical testing. Allele origin: germline.

Labcorp Genetics (formerly Invitae), Labcorp
Classification: Benign for Duchenne muscular dystrophy. Last evaluated: 2026-01-26. Review status: criteria provided, single submitter. Criteria: Invitae Variant Classification Sherloc (09022015). Collection method: clinical testing. Allele origin: germline.

Ambry Genetics
Classification: Benign for Cardiovascular phenotype. Last evaluated: 2024-10-01. Review status: criteria provided, single submitter. Criteria: Ambry Variant Classification Scheme 2023. Collection method: clinical testing. Allele origin: germline.

Blueprint Genetics
Classification: Likely benign. Last evaluated: 2024-07-02. Review status: criteria provided, single submitter. Criteria: ACMG Guidelines, 2015. Collection method: clinical testing. Allele origin: germline.

GeneDx
Classification: Benign. Last evaluated: 2017-11-17. Review status: criteria provided, single submitter. Criteria: GeneDx Variant Classification (06012015). Collection method: clinical testing. Allele origin: germline. Affected: yes.
Comment: This variant is considered likely benign or benign based on one or more of the following criteria: it is a conservative change, it occurs at a poorly conserved position in the protein, it is predicted to be benign by multiple in silico algorithms, and/or has population frequency not consistent with disease.

Eurofins Ntd Llc (ga)
Classification: Benign. Last evaluated: 2016-09-06. Review status: criteria provided, single submitter. Criteria: EGL Classification Definitions 2015. Collection method: clinical testing. Allele origin: germline. Observed: 1 variant allele, 1 heterozygote.

PreventionGenetics, part of Exact Sciences
Classification: Benign for DMD-related condition. Last evaluated: 2024-07-29. Review status: no assertion criteria provided. Collection method: clinical testing. Allele origin: germline. Not counted in ClinVar's aggregate classification.
Comment: This variant is classified as benign based on ACMG/AMP sequence variant interpretation guidelines (Richards et al. 2015 PMID: 25741868, with internal and published modifications).

Natera, Inc.
Classification: Likely benign for Becker muscular dystrophy; Cardiomyopathy; Duchenne muscular dystrophy; Dystrophin deficiency. Last evaluated: 2017-11-16. Review status: no assertion criteria provided. Collection method: clinical testing. Allele origin: germline. Not counted in ClinVar's aggregate classification.

Clinical Genetics DNA and cytogenetics Diagnostics Lab, Erasmus MC, Erasmus Medical Center
Classification: Likely benign. Review status: no assertion criteria provided. Collection method: clinical testing. Allele origin: germline. Affected: yes. Study: VKGL Data-share Consensus. Not counted in ClinVar's aggregate classification.

Diagnostic Laboratory, Department of Genetics, University Medical Center Groningen
Classification: Likely benign. Review status: no assertion criteria provided. Collection method: clinical testing. Allele origin: germline. Affected: yes. Study: VKGL Data-share Consensus. Not counted in ClinVar's aggregate classification.

Genome Diagnostics Laboratory, University Medical Center Utrecht
Classification: Benign. Review status: no assertion criteria provided. Collection method: clinical testing. Allele origin: germline. Affected: yes. Study: VKGL Data-share Consensus. Not counted in ClinVar's aggregate classification.

Laboratory of Diagnostic Genome Analysis, Leiden University Medical Center (LUMC)
Classification: Likely benign. Review status: no assertion criteria provided. Collection method: clinical testing. Allele origin: germline. Affected: yes. Study: VKGL Data-share Consensus. Not counted in ClinVar's aggregate classification.